The following is an entry in ClinVar:

NM_003823.4(TNFRSF6B):c.101C>T (p.Pro34Leu)

Genes: RTEL1-TNFRSF6B (RTEL1-TNFRSF6B readthrough (NMD candidate); plus strand), TNFRSF6B (TNF receptor superfamily member 6b; plus strand). Cytogenetic location: 20q13.33.
Variant type: single nucleotide variant.
Coding change: c.101C>T on transcript NM_003823.4 (MANE Select); coding-DNA position 101, C replaced by T.
Protein change: p.Pro34Leu; replaces proline 34 with leucine.
Molecular consequence: missense variant. On other transcripts: non-coding transcript variant (1).
Genome position (GRCh38, 1-based): chr20:63,696,868, C>T. VCF-style: chr20-63696868-C-T. GRCh37 (hg19) VCF-style: chr20-62328221-C-T.
Other names: short protein forms P34L.
Identifiers: ClinVar variation 2779178 (VCV002779178.3), dbSNP rs768009041, ClinGen allele CA9966316.

ClinVar aggregate classification (germline): Uncertain significance (1 of 4 stars; one submission).

Allele frequency attached by ClinVar (database versions not stated): ExAC 0.00001; TOPMed 0.00001.
gnomAD v4.1: 4 of 1,611,758 alleles (0.00025%); highest among the groups gnomAD compares: Non-Finnish European, 0.00034%; no homozygotes.

Submission:

Labcorp Genetics (formerly Invitae), Labcorp
Classification: Uncertain significance. Last evaluated: 2025-09-01. Review status: criteria provided, single submitter. Criteria: Invitae Variant Classification Sherloc (09022015). Collection method: clinical testing. Allele origin: germline.
Comment: This sequence change replaces proline, which is neutral and non-polar, with leucine, which is neutral and non-polar, at codon 34 of the TNFRSF6B protein (p.Pro34Leu). The frequency data for this variant in the population databases is considered unreliable, as metrics indicate poor data quality at this position in the gnomAD database. This variant has not been reported in the literature in individuals affected with TNFRSF6B-related conditions. ClinVar contains an entry for this variant (Variation ID: 2779178). An algorithm developed to predict the effect of missense changes on protein structure and function outputs the following: PolyPhen-2: "Probably Damaging". The leucine amino acid residue is found in multiple mammalian species, which suggests that this missense change does not adversely affect protein function. In summary, the available evidence is currently insufficient to determine the role of this variant in disease. Therefore, it has been classified as a Variant of Uncertain Significance.